The following is an entry in ClinVar:

ClinVar aggregate classification (germline): Benign/Likely benign. Review status: criteria provided, multiple submitters, no conflicts (2 of 4 stars). 2 submissions from 2 submitters: Benign (1); Likely benign (1). Last evaluated 2025-05-12.

Allele frequency attached by ClinVar (database versions not stated): gnomAD exomes 0.00008; ExAC 0.00032; ESP Exome Variant Server 0.00054; gnomAD 0.00084; TOPMed 0.00088; 1000 Genomes Project 0.00120; 1000 Genomes Project 30x 0.00125.
gnomAD v4.1: 258 of 1,609,196 alleles (0.016%); highest among the groups gnomAD compares: African/African-American, 0.28%; no homozygotes.

Submissions (2):

Labcorp Genetics (formerly Invitae), Labcorp
Classification: Benign. Last evaluated: 2025-05-12. Review status: criteria provided, single submitter. Criteria: Invitae Variant Classification Sherloc (09022015). Collection method: clinical testing. Allele origin: germline.

Women's Health and Genetics/Laboratory Corporation of America, LabCorp
Classification: Likely benign. Last evaluated: 2023-12-01. Review status: criteria provided, single submitter. Criteria: LabCorp Variant Classification Summary - May 2015. Collection method: clinical testing. Allele origin: germline.
Comment: Variant summary: SLC12A3 c.2286-18C>T alters a non-conserved nucleotide located at a position not widely known to affect splicing. Consensus agreement among computation tools predict no significant impact on normal splicing. However, these predictions have yet to be confirmed by functional studies. The variant allele was found at a frequency of 0.00023 in 251434 control chromosomes. This frequency does not allow for any conclusion about variant significance. To our knowledge, no occurrence of c.2286-18C>T in individuals affected with Familial Hypokalemia-Hypomagnesemia and no experimental evidence demonstrating its impact on protein function have been reported. One submitter has cited clinical-significance assessments for this variant to ClinVar after 2014 and has classified the variant as benign. Based on the evidence outlined above, the variant was classified as likely benign.

NM_001126108.2(SLC12A3):c.2286-18C>T

Gene: SLC12A3 (solute carrier family 12 member 3; plus strand). Cytogenetic location: 16q13.
Variant type: single nucleotide variant.
Coding change: c.2286-18C>T on transcript NM_001126108.2 (MANE Select); 18 bases into the intron before coding-DNA position 2286, C replaced by T.
Molecular consequence: intron variant.
Genome position (GRCh38, 1-based): chr16:56,890,256, C>T. VCF-style: chr16-56890256-C-T. GRCh37 (hg19) VCF-style: chr16-56924168-C-T.
Other names: c.2286-18C>T (NM_000339.3); c.2283-18C>T (NM_001126107.2).
Identifiers: ClinVar variation 2141061 (VCV002141061.5), dbSNP rs201972617, ClinGen allele CA8069833.